The following is an entry in ClinVar:

ClinVar aggregate classification (germline): Likely benign. Review status: criteria provided, multiple submitters, no conflicts (2 of 4 stars). 3 submissions from 3 submitters: Likely benign (3). Last evaluated 2025-07-08.

Allele frequency attached by ClinVar (database versions not stated): TOPMed 0.00006; gnomAD 0.00007 and 0.00009; gnomAD exomes 0.00007 and 0.00016; ESP Exome Variant Server 0.00008; ExAC 0.00019.

Submissions (3):

Labcorp Genetics (formerly Invitae), Labcorp
Classification: Likely benign. Last evaluated: 2025-07-08. Review status: criteria provided, single submitter. Criteria: Invitae Variant Classification Sherloc (09022015). Collection method: clinical testing. Allele origin: germline.

Blueprint Genetics
Classification: Likely benign. Last evaluated: 2024-09-19. Review status: criteria provided, single submitter. Criteria: ACMG Guidelines, 2015. Collection method: clinical testing. Allele origin: germline.

CeGaT Center for Human Genetics Tuebingen
Classification: Likely benign. Last evaluated: 2024-03-01. Review status: criteria provided, single submitter. Criteria: CeGaT Center For Human Genetics Tuebingen Variant Classification Criteria Version 2. Collection method: clinical testing. Allele origin: germline. Affected: yes. Observed: 1 variant allele.
Comment: SLC7A14: PM2, PP3, BS2

NM_020949.3(SLC7A14):c.1233G>A (p.Met411Ile)

Genes: SLC7A14 (solute carrier family 7 member 14; minus strand), SLC7A14-AS1 (SLC7A14 antisense RNA 1; plus strand). Cytogenetic location: 3q26.2.
Variant type: single nucleotide variant.
Coding change: c.1233G>A on transcript NM_020949.3 (MANE Select); coding-DNA position 1233, G replaced by A.
Protein change: p.Met411Ile; replaces methionine 411 with isoleucine.
Molecular consequence: missense variant.
Genome position (GRCh38, 1-based): chr3:170,481,049, C>T on the plus strand (G>A on the coding strand, the complement: SLC7A14 is on the minus strand). VCF-style: chr3-170481049-C-T. GRCh37 (hg19) VCF-style: chr3-170198838-C-T.
Other names: short protein forms M411I.
Identifiers: ClinVar variation 1109685 (VCV001109685.31), dbSNP rs372125485, ClinGen allele CA2701662.